The following is an entry in ClinVar:

NM_000416.3(IFNGR1):c.689A>G (p.Lys230Arg)

Gene: IFNGR1 (interferon gamma receptor 1; minus strand). Cytogenetic location: 6q23.3.
Variant type: single nucleotide variant.
Coding change: c.689A>G on transcript NM_000416.3 (MANE Select); coding-DNA position 689, A replaced by G.
Protein change: p.Lys230Arg; replaces lysine 230 with arginine.
Molecular consequence: missense variant.
Genome position (GRCh38, 1-based): chr6:137,203,543, T>C on the plus strand (A>G on the coding strand, the complement: IFNGR1 is on the minus strand). VCF-style: chr6-137203543-T-C. GRCh37 (hg19) VCF-style: chr6-137524680-T-C.
Other names: c.659A>G, p.Lys220Arg (NM_001363526.1); c.566A>G, p.Lys189Arg (NM_001363527.1); short protein forms K230R, K189R, K220R.
Identifiers: ClinVar variation 1356407 (VCV001356407.8), dbSNP rs1562285234, ClinGen allele CA365774714.

ClinVar aggregate classification (germline): Uncertain significance (1 of 4 stars; one submission).

Conditions:
Disseminated atypical mycobacterial infection. Identifiers: MedGen C0694566.

Allele frequency attached by ClinVar (database versions not stated): gnomAD exomes below 0.00001.
gnomAD v4.1: 3 of 1,613,088 alleles (0.00019%); highest among the groups gnomAD compares: East Asian, 0.0022%; no homozygotes.

Submission:

Labcorp Genetics (formerly Invitae), Labcorp
Classification: Uncertain significance for Disseminated atypical mycobacterial infection. Last evaluated: 2024-02-17. Review status: criteria provided, single submitter. Criteria: Invitae Variant Classification Sherloc (09022015). Collection method: clinical testing. Allele origin: germline.
Comment: This sequence change replaces lysine, which is basic and polar, with arginine, which is basic and polar, at codon 230 of the IFNGR1 protein (p.Lys230Arg). This variant is not present in population databases (gnomAD no frequency). This variant has not been reported in the literature in individuals affected with IFNGR1-related conditions. ClinVar contains an entry for this variant (Variation ID: 1356407). Advanced modeling of protein sequence and biophysical properties (such as structural, functional, and spatial information, amino acid conservation, physicochemical variation, residue mobility, and thermodynamic stability) performed at Invitae indicates that this missense variant is not expected to disrupt IFNGR1 protein function with a negative predictive value of 80%. In summary, the available evidence is currently insufficient to determine the role of this variant in disease. Therefore, it has been classified as a Variant of Uncertain Significance.